The following is an entry in ClinVar:

ClinVar aggregate classification (germline): Uncertain significance (1 of 4 stars; one submission).

Conditions:
TNNI2-related disorder. Also called: TNNI2-related condition.

Submission:

PreventionGenetics, part of Exact Sciences
Classification: Uncertain significance for TNNI2-related condition. Last evaluated: 2026-04-10. Review status: criteria provided, single submitter. Criteria: ACMG Guidelines, 2015. Collection method: clinical testing. Allele origin: germline.
Comment: The TNNI2 c.439G>T variant is predicted to result in premature protein termination (p.Glu147*). Of note, this nonsense variant occurs within the last 50 nucleotides of the second to last exon (exon 7 of 8) of TNNI2 and likely escapes nonsense mediated decay (NMD) (Lindeboom et al. 2016. PubMed ID:27618451). At PreventionGenetics and in the literature, other protein truncating variants that likely escape NMD have been observed in individuals with features of TNNI2-related disorders (Sung et al. 2003. PubMed ID: 12592607; internal data). To our knowledge, this variant has not been reported in the literature or in a large population database (gnomAD), indicating this variant is rare. Although we suspect that this variant may be pathogenic, at this time, the clinical significance of this variant is uncertain due to the absence of conclusive functional and genetic evidence.

NM_003282.4(TNNI2):c.439G>T (p.Glu147Ter)

Gene: TNNI2 (troponin I2, fast skeletal type; plus strand). Cytogenetic location: 11p15.5.
Variant type: single nucleotide variant.
Coding change: c.439G>T on transcript NM_003282.4 (MANE Select); coding-DNA position 439, G replaced by T.
Protein change: p.Glu147Ter; replaces glutamic acid 147 with a stop codon.
Molecular consequence: nonsense.
Genome position (GRCh38, 1-based): chr11:1,841,193, G>T. VCF-style: chr11-1841193-G-T. GRCh37 (hg19) VCF-style: chr11-1862423-G-T.
Other names: c.439G>T, p.Glu147Ter (NM_001145829.2, NM_001145841.2); short protein forms E147*.
Identifiers: ClinVar variation 4993350 (VCV004993350.1).